The following is an entry in ClinVar:

NM_001081.4(CUBN):c.4366G>A (p.Asp1456Asn)

Gene: CUBN (cubilin; minus strand). Cytogenetic location: 10p13.
Variant type: single nucleotide variant.
Coding change: c.4366G>A on transcript NM_001081.4 (MANE Select); coding-DNA position 4366, G replaced by A.
Protein change: p.Asp1456Asn; replaces aspartic acid 1456 with asparagine.
Molecular consequence: missense variant.
Genome position (GRCh38, 1-based): chr10:16,984,264, C>T on the plus strand (G>A on the coding strand, the complement: CUBN is on the minus strand). VCF-style: chr10-16984264-C-T. GRCh37 (hg19) VCF-style: chr10-17026263-C-T.
Other names: short protein forms D1456N.
Identifiers: ClinVar variation 2181567 (VCV002181567.7), dbSNP rs377730376, ClinGen allele CA5424392.

ClinVar aggregate classification (germline): Conflicting classifications of pathogenicity. Review status: criteria provided, conflicting classifications (1 of 4 stars). 5 submissions from 5 submitters: Uncertain significance (3); Likely benign (1). 1 of the submissions does not count toward it. Last evaluated 2025-10-27.

Conditions:
Inborn genetic diseases. Identifiers: MedGen C0950123, MeSH D030342.
Imerslund-Grasbeck syndrome type 1 (IGS1). Also called: Imerslund-Gräsbeck syndrome 1; Megaloblastic anemia 1, Finnish type; MEGALOBLASTIC ANEMIA, 1. Identifiers: MedGen C4016819, MONDO:0100156, OMIM 261100.
Proteinuria, chronic benign. Identifiers: MedGen C5394384, MONDO:0030042, OMIM 618884.
CUBN-related disorder. Also called: CUBN-related condition.
Imerslund-Grasbeck syndrome. Also called: ENTEROCYTE COBALAMIN MALABSORPTION; ENTEROCYTE INTRINSIC FACTOR RECEPTOR, DEFECT OF; PERNICIOUS ANEMIA, JUVENILE, DUE TO SELECTIVE INTESTINAL MALABSORPTION OF VITAMIN B12, WITH PROTEINURIA; Imerslund-Gräsbeck syndrome; Megaloblastic anemia due to inborn errors of metabolism. Identifiers: Orphanet 35858, MedGen C4551825, MONDO:0009853.

Allele frequency attached by ClinVar (database versions not stated): ESP Exome Variant Server 0.00008; 1000 Genomes Project 30x 0.00047; 1000 Genomes Project 0.00060.
gnomAD v4.1: 60 of 1,613,986 alleles (0.0037%); highest among the groups gnomAD compares: East Asian, 0.11%; no homozygotes.

Submissions (5):

Labcorp Genetics (formerly Invitae), Labcorp
Classification: Uncertain significance for Imerslund-Grasbeck syndrome. Last evaluated: 2025-10-27. Review status: criteria provided, single submitter. Criteria: Invitae Variant Classification Sherloc (09022015). Collection method: clinical testing. Allele origin: germline.
Comment: This sequence change replaces aspartic acid, which is acidic and polar, with asparagine, which is neutral and polar, at codon 1456 of the CUBN protein (p.Asp1456Asn). This variant is present in population databases (rs377730376, gnomAD 0.2%). This variant has not been reported in the literature in individuals affected with CUBN-related conditions. ClinVar contains an entry for this variant (Variation ID: 2181567). Invitae Evidence Modeling of protein sequence and biophysical properties (such as structural, functional, and spatial information, amino acid conservation, physicochemical variation, residue mobility, and thermodynamic stability) indicates that this missense variant is not expected to disrupt CUBN protein function with a negative predictive value of 80%. In summary, the available evidence is currently insufficient to determine the role of this variant in disease. Therefore, it has been classified as a Variant of Uncertain Significance.

Clinical Genomics Laboratory, Washington University in St. Louis
Classification: Uncertain significance for Imerslund-Grasbeck syndrome type 1. Last evaluated: 2024-05-26. Review status: criteria provided, single submitter. Criteria: ACMG Guidelines, 2015. Collection method: clinical testing. Allele origin: germline.
Comment: A CUBN c.4366G>A (p.Asp1456Asn) variant was identified. This variant, to our knowledge, has not been reported in the medical literature. It is observed on 41/282,776 alleles in the general population (gnomAD v.2.1.1). This variant has been reported in the ClinVar database as a variant of uncertain significance by one submitter and a likely benign variant by two submitters (ClinVar ID: 2181567). Computational predictors are uncertain as to the impact of this variant on CUBN function. Due to limited information, and based on ACMG/AMP guidelines for variant interpretation (Richards S et al., PMID: 25741868), the clinical significance of this variant is uncertain at this time.

Ambry Genetics
Classification: Likely benign for Inborn genetic diseases. Last evaluated: 2024-02-14. Review status: criteria provided, single submitter. Criteria: Ambry Variant Classification Scheme 2023. Collection method: clinical testing. Allele origin: germline.

Fulgent Genetics
Classification: Uncertain significance for Imerslund-Grasbeck syndrome type 1; Proteinuria, chronic benign. Last evaluated: 2024-01-09. Review status: criteria provided, single submitter. Criteria: ACMG Guidelines, 2015. Collection method: clinical testing. Allele origin: germline.

PreventionGenetics, part of Exact Sciences
Classification: Likely benign for CUBN-related condition. Last evaluated: 2023-02-02. Review status: no assertion criteria provided. Collection method: clinical testing. Allele origin: germline. Not counted in ClinVar's aggregate classification.
Comment: This variant is classified as likely benign based on ACMG/AMP sequence variant interpretation guidelines (Richards et al. 2015 PMID: 25741868, with internal and published modifications).